The following is an entry in ClinVar:

ClinVar aggregate classification (germline): Conflicting classifications of pathogenicity. Review status: criteria provided, conflicting classifications (1 of 4 stars). 9 submissions from 9 submitters: Uncertain significance (8); Benign (1). Last evaluated 2025-12-28.

Conditions:
DSP-related disorder. Also called: DSP-related condition; DSP-related disorders.
Cardiovascular phenotype. Identifiers: MedGen CN230736.
Cardiomyopathy, dilated, with wooly hair, keratoderma, and tooth agenesis. Also called: Cardiomyopathy, dilated, with woolly hair, keratoderma, and tooth agenesis; Erythrokeratodermia-cardiomyopathy syndrome. Identifiers: Orphanet 476096, Orphanet 65282, MedGen C4014393, MONDO:0014355, OMIM 615821.
Woolly hair-skin fragility syndrome (WHSF). Identifiers: Orphanet 293165, MedGen C1843292, MONDO:0957307, OMIM 620415.
Lethal acantholytic epidermolysis bullosa (EBLA). Identifiers: Orphanet 158687, MedGen C1864826, MONDO:0012323, OMIM 609638.
Arrhythmogenic cardiomyopathy with wooly hair and keratoderma. Also called: Carvajal syndrome; PALMOPLANTAR KERATODERMA WITH LEFT VENTRICULAR CARDIOMYOPATHY AND WOOLLY HAIR; Arrhythmogenic cardiomyopathy with woolly hair and keratoderma; Dilated cardiomyopathy with woolly hair and keratoderma. Identifiers: Orphanet 65282, MedGen C1854063, MONDO:0011581, OMIM 605676.
Keratosis palmoplantaris striata 2. Also called: KERATODERMA, PALMOPLANTAR, STRIATE FORM II; STRIATE PALMOPLANTAR KERATODERMA II; Keratosis palmoplantaris striata II. Identifiers: MedGen C1852127, MONDO:0013034, OMIM 612908.
Arrhythmogenic right ventricular dysplasia 8 (ARVD8). Also called: Arrhythmogenic Right Ventricular Dysplasia/Cardiomyopathy 8; ARRHYTHMOGENIC RIGHT VENTRICULAR DYSPLASIA, FAMILIAL, 8; ARRHYTHMOGENIC RIGHT VENTRICULAR CARDIOMYOPATHY 8. Identifiers: MedGen C1843896, MONDO:0011831, OMIM 607450.
Cardiomyopathy (CMYO). Also called: Cardiomyopathies. Identifiers: Orphanet 167848, MedGen C0878544, MONDO:0004994, HP:0001638. Inheritance: Various modes of inheritance.

Allele frequency attached by ClinVar (database versions not stated): gnomAD exomes 0.00001 and 0.00004; TOPMed 0.00002; ExAC 0.00004; gnomAD 0.00004 and 0.00005; ESP Exome Variant Server 0.00015; 1000 Genomes Project 0.00020; 1000 Genomes Project 30x 0.00031.
gnomAD v4.1: 27 of 1,614,164 alleles (0.0017%); highest among the groups gnomAD compares: African/African-American, 0.017%; no homozygotes.

Submissions (9):

PreventionGenetics, part of Exact Sciences
Classification: Uncertain significance for DSP-related condition. Last evaluated: 2025-12-28. Review status: criteria provided, single submitter. Criteria: ACMG Guidelines, 2015. Collection method: clinical testing. Allele origin: germline.
Comment: The DSP c.3134G>A variant is predicted to result in the amino acid substitution p.Arg1045Gln. This variant has been reported in individuals with dilated cardiomyopathy (Table S3, Mazzarotto et al. 2020. PubMed ID: 31983221; Table S9, McGurk et al. 2023. PubMed ID: 37652022). This variant is reported in 0.036% of alleles in individuals of African descent in gnomAD. Although we suspect that this variant may be benign, at this time, the clinical significance of this variant is uncertain due to the absence of conclusive functional and genetic evidence.

Labcorp Genetics (formerly Invitae), Labcorp
Classification: Benign for Arrhythmogenic cardiomyopathy with wooly hair and keratoderma; Arrhythmogenic right ventricular dysplasia 8. Last evaluated: 2025-12-03. Review status: criteria provided, single submitter. Criteria: Invitae Variant Classification Sherloc (09022015). Collection method: clinical testing. Allele origin: germline.

Color Diagnostics, LLC DBA Color Health
Classification: Uncertain significance for Cardiomyopathy. Last evaluated: 2025-07-22. Review status: criteria provided, single submitter. Criteria: ACMG Guidelines, 2015. Collection method: clinical testing. Allele origin: germline.
Comment: This missense variant replaces arginine with glutamine at codon 1045 of the DSP protein. Computational prediction suggests that this variant may not impact protein structure and function. To our knowledge, functional studies have not been reported for this variant. This variant has been reported in individuals affected with dilated cardiomyopathy (PMID: 31983221). This variant has been identified in 12/282294 chromosomes in the general population by the Genome Aggregation Database (gnomAD). The available evidence is insufficient to determine the role of this variant in disease conclusively. Therefore, this variant is classified as a Variant of Uncertain Significance.

All of Us Research Program, National Institutes of Health
Classification: Uncertain significance for Arrhythmogenic cardiomyopathy with wooly hair and keratoderma. Last evaluated: 2023-12-01. Review status: criteria provided, single submitter. Criteria: ACMG Guidelines, 2015. Collection method: clinical testing. Allele origin: germline. Inheritance: Autosomal dominant inheritance. Observed: 3 variant alleles, 3 heterozygotes.
Comment: This study involves interpretation of variants in research participants for the purpose of population health screening. Participant phenotype was not available at the time of variant classification. Additional details can be found in publication PMID: 35346344, PMCID: PMC8962531

Ambry Genetics
Classification: Uncertain significance for Cardiovascular phenotype. Last evaluated: 2023-11-16. Review status: criteria provided, single submitter. Criteria: Ambry Variant Classification Scheme 2023. Collection method: clinical testing. Allele origin: germline.
Comment: The p.R1045Q variant (also known as c.3134G>A), located in coding exon 23 of the DSP gene, results from a G to A substitution at nucleotide position 3134. The arginine at codon 1045 is replaced by glutamine, an amino acid with highly similar properties. This variant has been reported in a dilated cardiomyopathy (DCM) cohort (Mazzarotto F et al. Circulation, 2020 Feb;141:387-398). This amino acid position is well conserved in available vertebrate species. In addition, the in silico prediction for this alteration is inconclusive. Since supporting evidence is limited at this time, the clinical significance of this alteration remains unclear.

Blueprint Genetics
Classification: Uncertain significance. Last evaluated: 2023-05-12. Review status: criteria provided, single submitter. Criteria: ACMG Guidelines, 2015. Collection method: clinical testing. Allele origin: germline.

CeGaT Center for Human Genetics Tuebingen
Classification: Uncertain significance. Last evaluated: 2022-12-01. Review status: criteria provided, single submitter. Criteria: CeGaT Center For Human Genetics Tuebingen Variant Classification Criteria Version 2. Collection method: clinical testing. Allele origin: germline. Affected: yes. Observed: 1 variant allele.

Fulgent Genetics
Classification: Uncertain significance for Arrhythmogenic cardiomyopathy with wooly hair and keratoderma; Arrhythmogenic right ventricular dysplasia 8; Lethal acantholytic epidermolysis bullosa; Keratosis palmoplantaris striata 2; Cardiomyopathy, dilated, with wooly hair, keratoderma, and tooth agenesis. Last evaluated: 2021-10-12. Review status: criteria provided, single submitter. Criteria: ACMG Guidelines, 2015. Collection method: clinical testing. Allele origin: unknown.

Center for Advanced Laboratory Medicine, UC San Diego Health, University of California San Diego
Classification: Uncertain significance for Cardiomyopathy. Last evaluated: 2018-06-26. Review status: criteria provided, single submitter. Criteria: ACMG Guidelines, 2015. Collection method: clinical testing. Allele origin: germline. Affected: yes. Observed: 1 variant allele.

Literature cited by the submitters: PubMed 31983221 (cited by Color Diagnostics, LLC DBA Color Health and Ambry Genetics).

NM_004415.4(DSP):c.3134G>A (p.Arg1045Gln)

Gene: DSP (desmoplakin; plus strand). Cytogenetic location: 6p24.3.
Variant type: single nucleotide variant.
Coding change: c.3134G>A on transcript NM_004415.4 (MANE Select); coding-DNA position 3134, G replaced by A.
Protein change: p.Arg1045Gln; replaces arginine 1045 with glutamine.
Molecular consequence: missense variant.
Genome position (GRCh38, 1-based): chr6:7,579,324, G>A. VCF-style: chr6-7579324-G-A. GRCh37 (hg19) VCF-style: chr6-7579557-G-A.
Other names: c.3134G>A, p.Arg1045Gln (NM_001008844.3, NM_001319034.2); c.3134G>A (NM_004415.3, LRG_423t1); short protein forms R1045Q.
Identifiers: ClinVar variation 222577 (VCV000222577.40), dbSNP rs374263890, ClinGen allele CA037219.